The following is an entry in ClinVar:

ClinVar aggregate classification (germline): Pathogenic/Likely pathogenic. Review status: criteria provided, multiple submitters, no conflicts (2 of 4 stars). 7 submissions from 7 submitters: Pathogenic (1); Likely pathogenic (5). 1 of the submissions does not count toward it. Last evaluated 2026-08-19.

Conditions:
ASL-related disorder. Also called: ASL-related condition.
Argininosuccinate lyase deficiency. Also called: Argininosuccinic aciduria; ARGININOSUCCINIC ACID LYASE DEFICIENCY; ASL DEFICIENCY. Identifiers: Orphanet 23, MedGen C0268547, MONDO:0008815, OMIM 207900, HP:0025630.

Allele frequency attached by ClinVar (database versions not stated): gnomAD exomes 0.00001; ExAC 0.00002; gnomAD 0.00003; TOPMed 0.00004; ESP Exome Variant Server 0.00008.
gnomAD v4.1: 17 of 1,609,438 alleles (0.0011%); highest among the groups gnomAD compares: African/African-American, 0.0094%; no homozygotes.

Submissions (7):

Myriad Genetics, Inc.
Classification: Likely pathogenic for Argininosuccinate lyase deficiency. Last evaluated: 2026-08-19. Review status: criteria provided, single submitter. Criteria: Myriad Autosomal Dominant, Autosomal Recessive and X-Linked Classification Criteria (2023). Collection method: clinical testing. Allele origin: unknown.
Comment: NM_001024943.1(ASL):c.284G>A(R95H) is a missense variant classified as likely pathogenic in the context of argininosuccinic aciduria. R95H has been observed in cases with relevant disease (PMID: 24166829, 32778825, and Santos_2024_(Thesis)). Relevant functional assessments of this variant are not available in the literature. R95H has been observed in referenced population frequency databases. In summary, NM_001024943.1(ASL):c.284G>A(R95H) is a missense variant that has been observed more frequently in cases with the relevant disease than in healthy populations. Please note: this variant was assessed in the context of healthy population screening.

Labcorp Genetics (formerly Invitae), Labcorp
Classification: Pathogenic for Argininosuccinate lyase deficiency. Last evaluated: 2025-12-03. Review status: criteria provided, single submitter. Criteria: Invitae Variant Classification Sherloc (09022015). Collection method: clinical testing. Allele origin: germline.
Comment: This sequence change replaces arginine, which is basic and polar, with histidine, which is basic and polar, at codon 95 of the ASL protein (p.Arg95His). The frequency data for this variant in the population databases is considered unreliable, as metrics indicate poor data quality at this position in the gnomAD database. This missense change has been observed in individuals with argininosuccinate lyase deficiency (PMID: 24166829). ClinVar contains an entry for this variant (Variation ID: 558314). Invitae Evidence Modeling of protein sequence and biophysical properties (such as structural, functional, and spatial information, amino acid conservation, physicochemical variation, residue mobility, and thermodynamic stability) indicates that this missense variant is expected to disrupt ASL protein function with a positive predictive value of 95%. This variant disrupts the p.Arg95 amino acid residue in ASL. Other variant(s) that disrupt this residue have been determined to be pathogenic (PMID: 2263616, 9045711, 25778938, 26745957). This suggests that this residue is clinically significant, and that variants that disrupt this residue are likely to be disease-causing. For these reasons, this variant has been classified as Pathogenic.

Natera, Inc.
Classification: Likely pathogenic for Argininosuccinate lyase deficiency. Last evaluated: 2025-11-03. Review status: criteria provided, single submitter. Criteria: Natera Variant Classification Schema (03/2026). Collection method: clinical testing. Allele origin: germline.
Comment: The c.284G>A variant in ASL is a missense variant predicted to cause substitution of arginine to histidine at amino acid 95. This variant is rare in the general population with a frequency below the threshold expected for the associated phenotype(s). This variant has been observed in one or more individuals affected with the associated recessive disease, as either homozygous or compound heterozygous with a second variant (PMID: 24166829). Computational prediction algorithms indicate this variant is likely to affect gene or protein function. Given the available evidence, this variant is classified as Likely Pathogenic.

PreventionGenetics, part of Exact Sciences
Classification: Likely pathogenic for ASL-related condition. Last evaluated: 2025-05-19. Review status: criteria provided, single submitter. Criteria: ACMG Guidelines, 2015. Collection method: clinical testing. Allele origin: germline.
Comment: The ASL c.284G>A variant is predicted to result in the amino acid substitution p.Arg95His. This variant has been reported in the heterozygous state with a second pathogenic ASL variant in three individuals with argininosuccinate lyase deficiency (ASLD), one of whom had absent ASL enzyme activity in red blood cells (Balmer et al. 2014. PubMed ID: 24166829). This variant is reported in 0.017% of alleles in individuals of African descent in gnomAD. An alternate missense substitution of the same amino acid (p.Arg95Cys) has also been reported in individuals with ASL deficiency and shown to be functionally damaging (Walker et al. 1990. PubMed ID: 2263616; Hu et al. 2015. PubMed ID: 25778938; Heng et al. 2024. PubMed ID: 37865865). Taken together, the p.Arg95His variant is interpreted as likely pathogenic.

Fulgent Genetics
Classification: Likely pathogenic for Argininosuccinate lyase deficiency. Last evaluated: 2024-03-27. Review status: criteria provided, single submitter. Criteria: ACMG Guidelines, 2015. Collection method: clinical testing. Allele origin: germline.

Women's Health and Genetics/Laboratory Corporation of America, LabCorp
Classification: Likely pathogenic for Argininosuccinate lyase deficiency. Last evaluated: 2023-05-30. Review status: criteria provided, single submitter. Criteria: LabCorp Variant Classification Summary - May 2015. Collection method: clinical testing. Allele origin: germline.
Comment: Variant summary: ASL c.284G>A (p.Arg95His) results in a non-conservative amino acid change located in the Fumarate lyase, N-terminal of the encoded protein sequence. Five of five in-silico tools predict a damaging effect of the variant on protein function. The variant allele was found at a frequency of 1.2e-05 in 242806 control chromosomes in GnomAD. c.284G>A has been reported in the literature in the compound heterozygous state in three individuals affected with Argininosuccinic Aciduria (Balmer_2014). In those patients, the second alleles were different and have been evaluated likely pathogenic/pathogenic in ClinVar. c.284G>A has also been included in newborn screening test set (Adhikari_2020). These data indicate that the variant is likely to be associated with disease. Additionally, other variant at the Arg95 residue (c.283C>T/p.Arg95Cys) has been reported pathogenic/likely pathogenic with functional evidence in ClinVar, suggesting that this codon is functionally important. To our knowledge, no experimental evidence demonstrating an impact on protein function has been reported. The following publications have been ascertained in the context of this evaluation (PMID: 24166829, 32778825). Two other clinical diagnostic laboratories have submitted clinical-significance assessments for this variant to ClinVar after 2014 without evidence for independent evaluation (pathogenic, n=1 and VUS, n=1). Based on the evidence outlined above, the variant was classified as likely pathogenic.

Counsyl
Classification: Uncertain significance for Argininosuccinate lyase deficiency. Last evaluated: 2018-05-15. Review status: no assertion criteria provided. Collection method: clinical testing. Allele origin: unknown. Not counted in ClinVar's aggregate classification.

Literature cited by the submitters: PubMed 24166829 (cited by 4 submitters); PubMed 2263616 (cited by Labcorp Genetics (formerly Invitae), Labcorp); PubMed 9045711 (cited by Labcorp Genetics (formerly Invitae), Labcorp); PubMed 25778938 (cited by Labcorp Genetics (formerly Invitae), Labcorp); PubMed 26745957 (cited by Labcorp Genetics (formerly Invitae), Labcorp); PubMed 32778825 (cited by Women's Health and Genetics/Laboratory Corporation of America, LabCorp).

NM_000048.4(ASL):c.284G>A (p.Arg95His)

Gene: ASL (argininosuccinate lyase; plus strand). Cytogenetic location: 7q11.21.
Variant type: single nucleotide variant.
Coding change: c.284G>A on transcript NM_000048.4 (MANE Select); coding-DNA position 284, G replaced by A.
Protein change: p.Arg95His; replaces arginine 95 with histidine.
Molecular consequence: missense variant.
Genome position (GRCh38, 1-based): chr7:66,082,444, G>A. VCF-style: chr7-66082444-G-A. GRCh37 (hg19) VCF-style: chr7-65547431-G-A.
Other names: c.284G>A, p.Arg95His (NM_001024943.2, NM_001024944.2, NM_001024946.2); short protein forms R95H.
Identifiers: ClinVar variation 558314 (VCV000558314.17), dbSNP rs150244667, ClinGen allele CA4276865.
Genomic context (GRCh38, chr7:66,082,444, plus strand): 5'-CCCAGGGCACCTTCAAACTGAACTCCAATGATGAGGACATCCACACAGCCAATGAGCGCC[G>A]CCTGAAGGTACGACCCCTGGAGCCCCACCGCTTTCCTTGCCTCCCCTCTCCACCTTGCCC-3'
Protein context (NP_000039.2, residues 85-105): DEDIHTANER[Arg95His]LKELIGATAG